The following is an entry in ClinVar:

ClinVar aggregate classification (germline): Uncertain significance (1 of 4 stars; one submission).

gnomAD v4.1: 1 of 1,614,172 alleles (0.000062%); highest among the groups gnomAD compares: Non-Finnish European, 0.000085%; no homozygotes.

Submission:

Labcorp Genetics (formerly Invitae), Labcorp
Classification: Uncertain significance. Last evaluated: 2023-04-18. Review status: criteria provided, single submitter. Criteria: Invitae Variant Classification Sherloc (09022015). Collection method: clinical testing. Allele origin: germline.
Comment: In summary, the available evidence is currently insufficient to determine the role of this variant in disease. Therefore, it has been classified as a Variant of Uncertain Significance. An algorithm developed to predict the effect of missense changes on protein structure and function (PolyPhen-2) suggests that this variant is likely to be disruptive. This variant has not been reported in the literature in individuals affected with LRIT3-related conditions. This variant is present in population databases (no rsID available, gnomAD 0.0009%). This sequence change replaces glutamic acid, which is acidic and polar, with aspartic acid, which is acidic and polar, at codon 652 of the LRIT3 protein (p.Glu652Asp).

NM_198506.5(LRIT3):c.1956G>T (p.Glu652Asp)

Gene: LRIT3 (leucine rich repeat, Ig-like and transmembrane domains 3; plus strand). Cytogenetic location: 4q25.
Variant type: single nucleotide variant.
Coding change: c.1956G>T on transcript NM_198506.5 (MANE Select); coding-DNA position 1956, G replaced by T.
Protein change: p.Glu652Asp; replaces glutamic acid 652 with aspartic acid.
Molecular consequence: missense variant.
Genome position (GRCh38, 1-based): chr4:109,870,705, G>T. VCF-style: chr4-109870705-G-T. GRCh37 (hg19) VCF-style: chr4-110791861-G-T.
Other names: short protein forms E652D.
Identifiers: ClinVar variation 2778564 (VCV002778564.3), dbSNP rs752020151, ClinGen allele CA357873211.